The following is an entry in ClinVar:

NM_001429.4(EP300):c.2756G>A (p.Ser919Asn)

Gene: EP300 (EP300 lysine acetyltransferase; plus strand). Cytogenetic location: 22q13.2.
Variant type: single nucleotide variant.
Coding change: c.2756G>A on transcript NM_001429.4 (MANE Select); coding-DNA position 2756, G replaced by A.
Protein change: p.Ser919Asn; replaces serine 919 with asparagine.
Molecular consequence: missense variant.
Genome position (GRCh38, 1-based): chr22:41,150,137, G>A. VCF-style: chr22-41150137-G-A. GRCh37 (hg19) VCF-style: chr22-41546141-G-A.
Other names: c.2678G>A, p.Ser893Asn (NM_001362843.2); short protein forms S919N, S893N.
Identifiers: ClinVar variation 158560 (VCV000158560.14), dbSNP rs141403873, ClinGen allele CA172144.

ClinVar aggregate classification (germline): Benign/Likely benign. Review status: criteria provided, multiple submitters, no conflicts (2 of 4 stars). 4 submissions from 4 submitters: Benign (1); Likely benign (2). 1 of the submissions does not count toward it. Last evaluated 2026-01-28.

Conditions:
EP300-related disorder. Also called: EP300-related condition; EP300-related disorders.
Rubinstein-Taybi syndrome due to EP300 haploinsufficiency. Also called: RUBINSTEIN-TAYBI SYNDROME 2; EP300-Related Rubinstein-Taybi Syndrome. Identifiers: Orphanet 353284, Orphanet 783, MedGen C3150941, MONDO:0013364, OMIM 613684.

Allele frequency attached by ClinVar (database versions not stated): ExAC 0.00002; gnomAD exomes 0.00002; gnomAD 0.00004 and 0.00005; TOPMed 0.00008; ESP Exome Variant Server 0.00015.
gnomAD v4.1: 33 of 1,612,386 alleles (0.002%); highest among the groups gnomAD compares: Admixed American, 0.017%; no homozygotes.

Submissions (4):

Labcorp Genetics (formerly Invitae), Labcorp
Classification: Benign for Rubinstein-Taybi syndrome due to EP300 haploinsufficiency. Last evaluated: 2026-01-28. Review status: criteria provided, single submitter. Criteria: Invitae Variant Classification Sherloc (09022015). Collection method: clinical testing. Allele origin: germline.

GeneDx
Classification: Likely benign. Last evaluated: 2020-03-24. Review status: criteria provided, single submitter. Criteria: GeneDx Variant Classification Process June 2021. Collection method: clinical testing. Allele origin: germline. Affected: yes.

Genetic Services Laboratory, University of Chicago
Classification: Likely benign. Last evaluated: 2014-05-19. Review status: criteria provided, single submitter. Criteria: ACMG Guidelines, 2015. Collection method: clinical testing. Allele origin: germline. Inheritance: Autosomal dominant inheritance.

PreventionGenetics, part of Exact Sciences
Classification: Likely benign for EP300-related condition. Last evaluated: 2021-11-17. Review status: no assertion criteria provided. Collection method: clinical testing. Allele origin: germline. Not counted in ClinVar's aggregate classification.
Comment: This variant is classified as likely benign based on ACMG/AMP sequence variant interpretation guidelines (Richards et al. 2015 PMID: 25741868, with internal and published modifications).